The following is an entry in ClinVar:

NM_015450.3(POT1):c.1164-5T>C

Gene: POT1 (protection of telomeres 1; minus strand). Cytogenetic location: 7q31.33.
Variant type: single nucleotide variant.
Coding change: c.1164-5T>C on transcript NM_015450.3 (MANE Select); 5 bases into the intron before coding-DNA position 1164, T replaced by C.
Molecular consequence: intron variant.
Genome position (GRCh38, 1-based): chr7:124,841,183, A>G on the plus strand (T>C on the coding strand, the complement: POT1 is on the minus strand). VCF-style: chr7-124841183-A-G. GRCh37 (hg19) VCF-style: chr7-124481237-A-G.
Other names: c.771-5T>C (NM_001042594.2).
Identifiers: ClinVar variation 3657351 (VCV003657351.2).

ClinVar aggregate classification (germline): Uncertain significance (1 of 4 stars; one submission).

Conditions:
Tumor predisposition syndrome 3 (TPDS3). Also called: Melanoma, cutaneous malignant, susceptibility to, 10; Glioma susceptibility 9; LONG TELOMERE SYNDROME, POT1-RELATED; POT1 Tumor Predisposition. Identifiers: Orphanet 618, MedGen C4014476, MONDO:0014368, OMIM 615848.

Submission:

Labcorp Genetics (formerly Invitae), Labcorp
Classification: Uncertain significance for Tumor predisposition syndrome 3. Last evaluated: 2024-06-22. Review status: criteria provided, single submitter. Criteria: Invitae Variant Classification Sherloc (09022015). Collection method: clinical testing. Allele origin: germline.
Comment: This sequence change falls in intron 13 of the POT1 gene. It does not directly change the encoded amino acid sequence of the POT1 protein. This variant is not present in population databases (gnomAD no frequency). This variant has not been reported in the literature in individuals affected with POT1-related conditions. Algorithms developed to predict the effect of sequence changes on RNA splicing suggest that this variant may disrupt the consensus splice site. In summary, the available evidence is currently insufficient to determine the role of this variant in disease. Therefore, it has been classified as a Variant of Uncertain Significance.